The following is an entry in ClinVar:

ClinVar aggregate classification (germline): Likely benign. Review status: criteria provided, multiple submitters, no conflicts (2 of 4 stars). 3 submissions from 3 submitters: Likely benign (3). Last evaluated 2025-05-21.

Conditions:
Tuberous sclerosis 2 (TSC2). Identifiers: Orphanet 805, MedGen C1860707, MONDO:0013199, OMIM 613254.

Submissions (3):

Myriad Genetics, Inc.
Classification: Likely benign for Tuberous sclerosis 2. Last evaluated: 2025-05-21. Review status: criteria provided, single submitter. Criteria: Myriad Autosomal Dominant, Autosomal Recessive and X-Linked Classification Criteria (2023). Collection method: clinical testing. Allele origin: unknown.
Comment: This variant is considered likely benign. This variant is intronic and is not expected to impact mRNA splicing.

Labcorp Genetics (formerly Invitae), Labcorp
Classification: Likely benign for Tuberous sclerosis 2. Last evaluated: 2025-05-01. Review status: criteria provided, single submitter. Criteria: Invitae Variant Classification Sherloc (09022015). Collection method: clinical testing. Allele origin: germline.

Blueprint Genetics
Classification: Likely benign. Last evaluated: 2023-03-02. Review status: criteria provided, single submitter. Criteria: ACMG Guidelines, 2015. Collection method: clinical testing. Allele origin: germline.

NM_000548.5(TSC2):c.2640-14C>T

Gene: TSC2 (TSC complex subunit 2; plus strand). Cytogenetic location: 16p13.3.
Variant type: single nucleotide variant.
Coding change: c.2640-14C>T on transcript NM_000548.5 (MANE Select); 14 bases into the intron before coding-DNA position 2640, C replaced by T.
Molecular consequence: intron variant.
Genome position (GRCh38, 1-based): chr16:2,076,054, C>T. VCF-style: chr16-2076054-C-T. GRCh37 (hg19) VCF-style: chr16-2126055-C-T.
Other names: c.2640-14C>T (NM_001114382.3, NM_021055.3, NM_001370405.1 and 3 more transcripts); c.2529-14C>T (NM_001318827.2); c.2040-14C>T (NM_001318831.2); c.2493-14C>T (NM_001318829.2); c.2673-14C>T (NM_001318832.2).
Identifiers: ClinVar variation 1668774 (VCV001668774.10), dbSNP rs2089304828, ClinGen allele CA2573151559.